The following is an entry in ClinVar:

ClinVar aggregate classification (germline): Benign/Likely benign. Review status: criteria provided, multiple submitters, no conflicts (2 of 4 stars). 3 submissions from 2 submitters: Benign (1); Likely benign (2). Last evaluated 2023-05-01.

Conditions:
Autosomal dominant nonsyndromic hearing loss 17. Also called: Deafness, autosomal dominant 17; Autosomal dominant nonsyndromic deafness 17. Identifiers: Orphanet 90635, MedGen C1863659, MONDO:0011350, OMIM 603622.
MYH9-related disorder. Identifiers: MedGen C1854520.

Allele frequency attached by ClinVar (database versions not stated): TOPMed 0.00510; gnomAD exomes 0.00673; gnomAD 0.00743 and 0.00786; 1000 Genomes Project 0.00180; 1000 Genomes Project 30x 0.00203.
gnomAD v4.1: 1,565 of 216,550 alleles (0.72%); highest among the groups gnomAD compares: Non-Finnish European, 0.9%; 10 homozygotes.

Submissions (3):

CeGaT Center for Human Genetics Tuebingen
Classification: Likely benign. Last evaluated: 2023-05-01. Review status: criteria provided, single submitter. Criteria: CeGaT Center For Human Genetics Tuebingen Variant Classification Criteria Version 2. Collection method: clinical testing. Allele origin: germline. Affected: yes. Observed: 9 variant alleles.
Comment: MYH9: BS2

Illumina Laboratory Services, Illumina
Classification: Likely benign for Autosomal dominant nonsyndromic hearing loss 17. Last evaluated: 2018-01-13. Review status: criteria provided, single submitter. Criteria: ICSL Variant Classification Criteria 13 December 2019. Collection method: clinical testing. Allele origin: germline.
Comment: This variant was observed in the ICSL laboratory as part of a predisposition screen in an ostensibly healthy population. It had not been previously curated by ICSL or reported in the Human Gene Mutation Database (HGMD: prior to June 1st, 2018), and was therefore a candidate for classification through an automated scoring system. Utilizing variant allele frequency, disease prevalence and penetrance estimates, and inheritance mode, an automated score was calculated to assess if this variant is too frequent to cause the disease. Based on the score and internal cut-off values, a variant classified as likely benign is not then subjected to further curation. The score for this variant resulted in a classification of likely benign for this disease.

Illumina Laboratory Services, Illumina
Classification: Benign for MYH9-related disorder. Last evaluated: 2018-01-13. Review status: criteria provided, single submitter. Criteria: ICSL Variant Classification Criteria 13 December 2019. Collection method: clinical testing. Allele origin: germline.
Comment: This variant was observed in the ICSL laboratory as part of a predisposition screen in an ostensibly healthy population. It had not been previously curated by ICSL or reported in the Human Gene Mutation Database (HGMD: prior to June 1st, 2018), and was therefore a candidate for classification through an automated scoring system. Utilizing variant allele frequency, disease prevalence and penetrance estimates, and inheritance mode, an automated score was calculated to assess if this variant is too frequent to cause the disease. Based on the score and internal cut-off values, a variant classified as benign is not then subjected to further curation. The score for this variant resulted in a classification of benign for this disease.

NM_002473.6(MYH9):c.*1329C>T

Gene: MYH9 (myosin heavy chain 9; minus strand). Cytogenetic location: 22q12.3.
Variant type: single nucleotide variant.
Coding change: c.*1329C>T on transcript NM_002473.6 (MANE Select); 1329 bases downstream of the stop codon, C replaced by T.
Molecular consequence: 3 prime UTR variant.
Genome position (GRCh38, 1-based): chr22:36,281,339, G>A on the plus strand (C>T on the coding strand, the complement: MYH9 is on the minus strand). VCF-style: chr22-36281339-G-A. GRCh37 (hg19) VCF-style: chr22-36677385-G-A.
Identifiers: ClinVar variation 341458 (VCV000341458.36), dbSNP rs146582828, ClinGen allele CA10645423.